The following is an entry in ClinVar:

NM_001256545.2(MEGF10):c.2920G>A (p.Gly974Arg)

Gene: MEGF10 (multiple EGF like domains 10; plus strand). Cytogenetic location: 5q23.2.
Variant type: single nucleotide variant.
Coding change: c.2920G>A on transcript NM_001256545.2 (MANE Select); coding-DNA position 2920, G replaced by A.
Protein change: p.Gly974Arg; replaces glycine 974 with arginine.
Molecular consequence: missense variant.
Genome position (GRCh38, 1-based): chr5:127,449,162, G>A. VCF-style: chr5-127449162-G-A. GRCh37 (hg19) VCF-style: chr5-126784854-G-A.
Other names: c.2920G>A (NM_032446.2); c.2920G>A, p.Gly974Arg (NM_032446.3); short protein forms G974R.
Identifiers: ClinVar variation 1520651 (VCV001520651.8), dbSNP rs768701922, ClinGen allele CA3392071.

ClinVar aggregate classification (germline): Uncertain significance. Review status: criteria provided, multiple submitters, no conflicts (2 of 4 stars). 2 submissions from 2 submitters: Uncertain significance (2). Last evaluated 2025-09-26.

Conditions:
Inborn genetic diseases. Identifiers: MedGen C0950123, MeSH D030342.
MEGF10-related myopathy (CMYO10A). Also called: Congenital myopathy 10A, severe variant. Identifiers: Orphanet 439212, MedGen C3280679, MONDO:0013731, OMIM 614399.

Allele frequency attached by ClinVar (database versions not stated): TOPMed below 0.00001; ExAC 0.00001; gnomAD 0.00001; gnomAD exomes 0.00001 and 0.00013.
gnomAD v4.1: 186 of 1,613,916 alleles (0.012%); highest among the groups gnomAD compares: Non-Finnish European, 0.016%; no homozygotes.

Submissions (2):

Ambry Genetics
Classification: Uncertain significance for Inborn genetic diseases. Last evaluated: 2025-09-26. Review status: criteria provided, single submitter. Criteria: Ambry Variant Classification Scheme 2023. Collection method: clinical testing. Allele origin: germline.

Labcorp Genetics (formerly Invitae), Labcorp
Classification: Uncertain significance for MEGF10-related myopathy. Last evaluated: 2022-07-12. Review status: criteria provided, single submitter. Criteria: Invitae Variant Classification Sherloc (09022015). Collection method: clinical testing. Allele origin: germline.
Comment: This sequence change replaces glycine, which is neutral and non-polar, with arginine, which is basic and polar, at codon 974 of the MEGF10 protein (p.Gly974Arg). This variant is present in population databases (rs768701922, gnomAD 0.002%). This variant has not been reported in the literature in individuals affected with MEGF10-related conditions. ClinVar contains an entry for this variant (Variation ID: 1520651). Algorithms developed to predict the effect of missense changes on protein structure and function (SIFT, PolyPhen-2, Align-GVGD) all suggest that this variant is likely to be tolerated. In summary, the available evidence is currently insufficient to determine the role of this variant in disease. Therefore, it has been classified as a Variant of Uncertain Significance.